The following is an entry in ClinVar:

NM_001206927.2(DNAH8):c.5209C>T (p.Arg1737Cys)

Gene: DNAH8 (dynein axonemal heavy chain 8; plus strand). Cytogenetic location: 6p21.2.
Variant type: single nucleotide variant.
Coding change: c.5209C>T on transcript NM_001206927.2 (MANE Select); coding-DNA position 5209, C replaced by T.
Protein change: p.Arg1737Cys; replaces arginine 1737 with cysteine.
Molecular consequence: missense variant.
Genome position (GRCh38, 1-based): chr6:38,850,260, C>T. VCF-style: chr6-38850260-C-T. GRCh37 (hg19) VCF-style: chr6-38818036-C-T.
Other names: c.4558C>T, p.Arg1520Cys (NM_001371.4); short protein forms R1737C, R1520C.
Identifiers: ClinVar variation 454577 (VCV000454577.29), dbSNP rs146241522, ClinGen allele CA3789325.

ClinVar aggregate classification (germline): Conflicting classifications of pathogenicity. Review status: criteria provided, conflicting classifications (1 of 4 stars). 3 submissions from 3 submitters: Uncertain significance (1); Likely benign (2). Last evaluated 2025-11-24.

Conditions:
Primary ciliary dyskinesia. Also called: Ciliary dyskinesia. Identifiers: Orphanet 244, MedGen C0008780, MONDO:0016575, HP:0012265.

Allele frequency attached by ClinVar (database versions not stated): gnomAD exomes 0.00015 and 0.00038; ExAC 0.00055; gnomAD 0.00135 and 0.00141; TOPMed 0.00157; 1000 Genomes Project 0.00160; 1000 Genomes Project 30x 0.00203; ESP Exome Variant Server 0.00254.
gnomAD v4.1: 432 of 1,612,062 alleles (0.027%); highest among the groups gnomAD compares: African/African-American, 0.5%; 3 homozygotes.

Submissions (3):

Ambry Genetics
Classification: Uncertain significance. Last evaluated: 2025-11-24. Review status: criteria provided, single submitter. Criteria: Ambry Variant Classification Scheme 2023. Collection method: clinical testing. Allele origin: germline.

Labcorp Genetics (formerly Invitae), Labcorp
Classification: Likely benign for Primary ciliary dyskinesia. Last evaluated: 2025-11-08. Review status: criteria provided, single submitter. Criteria: Invitae Variant Classification Sherloc (09022015). Collection method: clinical testing. Allele origin: germline.

CeGaT Center for Human Genetics Tuebingen
Classification: Likely benign. Last evaluated: 2024-07-01. Review status: criteria provided, single submitter. Criteria: CeGaT Center For Human Genetics Tuebingen Variant Classification Criteria Version 2. Collection method: clinical testing. Allele origin: germline. Affected: yes. Observed: 1 variant allele.
Comment: DNAH8: BS2